The following is an entry in ClinVar:

ClinVar aggregate classification (germline): Conflicting classifications of pathogenicity. Review status: criteria provided, conflicting classifications (1 of 4 stars). 2 submissions from 2 submitters: Uncertain significance (1); Likely benign (1). Last evaluated 2025-12-13.

Conditions:
Kleefstra syndrome 1 (KLEFS1). Identifiers: Orphanet 261494, MedGen C0795833, MONDO:0027407, OMIM 610253.
Inborn genetic diseases. Identifiers: MedGen C0950123, MeSH D030342.

Allele frequency attached by ClinVar (database versions not stated): ExAC 0.00002; gnomAD exomes 0.00002 and below 0.00001; gnomAD 0.00001.

Submissions (2):

Labcorp Genetics (formerly Invitae), Labcorp
Classification: Likely benign for Kleefstra syndrome 1. Last evaluated: 2025-12-13. Review status: criteria provided, single submitter. Criteria: Invitae Variant Classification Sherloc (09022015). Collection method: clinical testing. Allele origin: germline.

Ambry Genetics
Classification: Uncertain significance for Inborn genetic diseases. Last evaluated: 2017-12-15. Review status: criteria provided, single submitter. Criteria: Ambry Variant Classification Scheme 2023. Collection method: clinical testing. Allele origin: germline.
Comment: The c.193_198dupAGTCAT variant (also known as p.S65_H66dup), located in coding exon 3 of the EHMT1 gene, results from an in-frame duplication of AGTCAT at nucleotide positions 193 to 198. This results in the duplication of 2 extra residues (SH) between codons 65 and 66. This amino acid position is not well conserved in available vertebrate species. In addition, this alteration is predicted to be neutral by in silico analysis (Choi Y et al., PLoS ONE 2012; 7(10):e46688). Since supporting evidence is limited at this time, the clinical significance of this alteration remains unclear.

NM_024757.5(EHMT1):c.193_198dup (p.Ser65_His66dup)

Gene: EHMT1 (euchromatic histone lysine methyltransferase 1; plus strand). Cytogenetic location: 9q34.3.
Variant type: Duplication.
Coding change: c.193_198dup on transcript NM_024757.5 (MANE Select); coding-DNA positions 193 to 198, 6 bases duplicated (AGTCAT; older notation c.193_198dupAGTCAT).
Protein change: p.Ser65_His66dup.
Molecular consequence: inframe insertion.
Genome position (GRCh38, 1-based): chr9:137,716,733-137,716,738, AGTCAT duplicated. VCF-style (leftmost placement, unchanged base first): chr9-137716732-C-CAGTCAT. GRCh37 (hg19) VCF-style: chr9-140611184-C-CAGTCAT.
Other names: c.193_198dup, p.Ser65_His66dup (NM_001145527.2, NM_001354263.2, NM_001354611.2); c.100_105dup, p.Ser34_His35dup (NM_001354259.2, NM_001354612.2); c.193_198dupAGTCAT (NM_024757.4).
Identifiers: ClinVar variation 574421 (VCV000574421.11), dbSNP rs756643740, ClinGen allele CA5374208.